The following is an entry in ClinVar:

NM_001042492.3(NF1):c.612A>G (p.Leu204=)

Gene: NF1 (neurofibromin 1; plus strand). Cytogenetic location: 17q11.2.
Variant type: single nucleotide variant.
Coding change: c.612A>G on transcript NM_001042492.3 (MANE Select); coding-DNA position 612, A replaced by G.
Protein change: p.Leu204=; no amino-acid change (leucine 204 retained).
Molecular consequence: synonymous variant.
Genome position (GRCh38, 1-based): chr17:31,181,447, A>G. VCF-style: chr17-31181447-A-G. GRCh37 (hg19) VCF-style: chr17-29508465-A-G.
Other names: c.612A>G, p.Leu204= (NM_000267.4, NM_001128147.3).
Identifiers: ClinVar variation 480800 (VCV000480800.13), dbSNP rs1555608658, ClinGen allele CA499206287.
Genomic context (GRCh38, chr17:31,181,447, plus strand): 5'-CTAGAGTTAATTTTTAAAAATTGTGTTTTTTCCAGAAACAGCATTTAAATTTAAAGCCCT[A>G]AAGAAGGTTGCGCAGTTAGCAGTTATAAATAGCCTGGAAAAGGTAAGTTACAACCTCTCT-3'
Protein context (NP_001035957.1, residues 194-214): LKETAFKFKA[Leu204=]KKVAQLAVIN

ClinVar aggregate classification (germline): Benign/Likely benign. Review status: criteria provided, multiple submitters, no conflicts (2 of 4 stars). 4 submissions from 4 submitters: Benign (1); Likely benign (3). Last evaluated 2026-09-23.

Conditions:
Neurofibromatosis, type 1 (NF1). Also called: NEUROFIBROMATOSIS, TYPE I, SOMATIC; Peripheral type neurofibromatosis; VON RECKLINGHAUSEN DISEASE; Neurofibromatosis, type I. Identifiers: Orphanet 636, MedGen C0027831, MONDO:0018975, OMIM 162200. Disease mechanism: loss of function.
Cardiovascular phenotype. Identifiers: MedGen CN230736.
Hereditary cancer-predisposing syndrome. Also called: Tumor predisposition; Neoplastic Syndromes, Hereditary; Hereditary Cancer Syndrome; Hereditary neoplastic syndrome. Identifiers: Orphanet 140162, MedGen C0027672, MeSH D009386, MONDO:0015356.

Submissions (4):

Myriad Genetics, Inc.
Classification: Benign for Neurofibromatosis, type 1. Last evaluated: 2026-09-23. Review status: criteria provided, single submitter. Criteria: Myriad Autosomal Dominant, Autosomal Recessive and X-Linked Classification Criteria (2023). Collection method: clinical testing. Allele origin: unknown.
Comment: This variant is considered benign. This variant is a silent/synonymous amino acid change and it is not expected to impact splicing.

Labcorp Genetics (formerly Invitae), Labcorp
Classification: Likely benign for Neurofibromatosis, type 1. Last evaluated: 2024-06-21. Review status: criteria provided, single submitter. Criteria: Invitae Variant Classification Sherloc (09022015). Collection method: clinical testing. Allele origin: germline.

Genome-Nilou Lab
Classification: Likely benign for Neurofibromatosis, type 1. Last evaluated: 2022-03-15. Review status: criteria provided, single submitter. Criteria: ACMG Guidelines, 2015. Collection method: clinical testing. Allele origin: germline. Affected: no.

Ambry Genetics
Classification: Likely benign for Cardiovascular phenotype; Hereditary cancer-predisposing syndrome. Last evaluated: 2017-05-05. Review status: criteria provided, single submitter. Criteria: Ambry Variant Classification Scheme 2023. Collection method: clinical testing. Allele origin: germline.